The following is an entry in ClinVar:

NM_003801.4(GPAA1):c.1823A>C (p.Tyr608Ser)

Gene: GPAA1 (glycosylphosphatidylinositol anchor attachment 1; plus strand). Cytogenetic location: 8q24.3.
Variant type: single nucleotide variant.
Coding change: c.1823A>C on transcript NM_003801.4 (MANE Select); coding-DNA position 1823, A replaced by C.
Protein change: p.Tyr608Ser; replaces tyrosine 608 with serine.
Molecular consequence: missense variant.
Genome position (GRCh38, 1-based): chr8:144,086,082, A>C. VCF-style: chr8-144086082-A-C. GRCh37 (hg19) VCF-style: chr8-145140985-A-C.
Other names: short protein forms Y608S.
Identifiers: ClinVar variation 1941484 (VCV001941484.5), dbSNP rs1835991824, ClinGen allele CA372509848.
Genomic context (GRCh38, chr8:144,086,082, plus strand): 5'-GTGTGCTGGAGCACCACACCTACGGCGCCCTGCTCTTCCCACTGCTGTCCCTGGGCCTCT[A>C]CCCCTGCTGGCTGCTTTTCTGGAATGTGCTCTTCTGGAAGTGAGATCTGCCTGTCCGGGC-3'
Protein context (NP_003792.1, residues 598-618): LLFPLLSLGL[Tyr608Ser]PCWLLFWNVL

ClinVar aggregate classification (germline): Uncertain significance (1 of 4 stars; one submission).

Allele frequency attached by ClinVar (database versions not stated): gnomAD exomes below 0.00001; TOPMed below 0.00001.
gnomAD v4.1: 1 of 1,613,064 alleles (0.000062%); highest among the groups gnomAD compares: Admixed American, 0.0017%; no homozygotes.

Submission:

Labcorp Genetics (formerly Invitae), Labcorp
Classification: Uncertain significance. Last evaluated: 2022-01-17. Review status: criteria provided, single submitter. Criteria: Invitae Variant Classification Sherloc (09022015). Collection method: clinical testing. Allele origin: germline.
Comment: In summary, the available evidence is currently insufficient to determine the role of this variant in disease. Therefore, it has been classified as a Variant of Uncertain Significance. Algorithms developed to predict the effect of missense changes on protein structure and function are either unavailable or do not agree on the potential impact of this missense change (SIFT: "Deleterious"; PolyPhen-2: "Benign"; Align-GVGD: "Class C0"). This variant has not been reported in the literature in individuals affected with GPAA1-related conditions. This variant is not present in population databases (gnomAD no frequency). This sequence change replaces tyrosine, which is neutral and polar, with serine, which is neutral and polar, at codon 608 of the GPAA1 protein (p.Tyr608Ser).